The following is an entry in ClinVar:

NM_003356.4(UCP3):c.218_221dup (p.Cys75fs)

Gene: UCP3 (uncoupling protein 3; minus strand). Cytogenetic location: 11q13.4.
Variant type: Duplication.
Coding change: c.218_221dup on transcript NM_003356.4 (MANE Select); coding-DNA positions 218 to 221, 4 bases duplicated (GTCC; older notation c.218_221dupGTCC).
Protein change: p.Cys75fs; shifts the reading frame from cysteine 75.
Molecular consequence: frameshift variant.
Genome position (GRCh38, 1-based): chr11:74,006,285-74,006,288, GGAC duplicated on the plus strand (GTCC on the coding strand, the reverse complement: UCP3 is on the minus strand). VCF-style (leftmost placement, unchanged base first): chr11-74006284-G-GGGAC. GRCh37 (hg19) VCF-style: chr11-73717329-G-GGGAC.
Other names: c.218_221dup, p.Cys75fs (NM_022803.3); short protein forms C75fs.
Identifiers: ClinVar variation 4977641 (VCV004977641.1).

ClinVar aggregate classification (germline): Uncertain significance (1 of 4 stars; one submission).

Conditions:
UCP3-related disorder. Also called: UCP3-related condition.

Submission:

PreventionGenetics, part of Exact Sciences
Classification: Uncertain significance for UCP3-related condition. Last evaluated: 2026-09-23. Review status: criteria provided, single submitter. Criteria: ACMG Guidelines, 2015. Collection method: clinical testing. Allele origin: germline.
Comment: The UCP3 c.218_221dupGTCC variant is predicted to result in a frameshift and premature protein termination (p.Cys75Serfs*27). To our knowledge, this variant has not been reported in the literature. This variant is reported in 0.0058% of alleles in individuals of Latino descent in gnomAD. At this time, the clinical significance of this variant is uncertain due to the absence of conclusive functional and genetic evidence.